The following is an entry in ClinVar:

NM_020937.4(FANCM):c.4057A>T (p.Ile1353Leu)

Gene: FANCM (FA complementation group M; plus strand). Cytogenetic location: 14q21.2.
Variant type: single nucleotide variant.
Coding change: c.4057A>T on transcript NM_020937.4 (MANE Select); coding-DNA position 4057, A replaced by T.
Protein change: p.Ile1353Leu; replaces isoleucine 1353 with leucine.
Molecular consequence: missense variant.
Genome position (GRCh38, 1-based): chr14:45,176,811, A>T. VCF-style: chr14-45176811-A-T. GRCh37 (hg19) VCF-style: chr14-45646014-A-T.
Other names: c.3979A>T, p.Ile1327Leu (NM_001308133.2); short protein forms I1353L, I1327L.
Identifiers: ClinVar variation 2141414 (VCV002141414.5), dbSNP rs759767076, ClinGen allele CA389604122.

ClinVar aggregate classification (germline): Uncertain significance. Review status: criteria provided, multiple submitters, no conflicts (2 of 4 stars). 2 submissions from 2 submitters: Uncertain significance (2). Last evaluated 2026-02-21.

Conditions:
Fanconi anemia (FA). Also called: Fanconi's anemia. Identifiers: Orphanet 84, MedGen C0015625, MeSH D005199, MONDO:0019391.
Inborn genetic diseases. Identifiers: MedGen C0950123, MeSH D030342.

gnomAD v4.1: 2 of 1,606,864 alleles (0.00012%); highest among the groups gnomAD compares: South Asian, 0.0022%; no homozygotes.

Submissions (2):

Ambry Genetics
Classification: Uncertain significance for Inborn genetic diseases. Last evaluated: 2026-02-21. Review status: criteria provided, single submitter. Criteria: Ambry Variant Classification Scheme 2023. Collection method: clinical testing. Allele origin: germline.
Comment: The p.I1353L variant (also known as c.4057A>T), located in coding exon 14 of the FANCM gene, results from an A to T substitution at nucleotide position 4057. The isoleucine at codon 1353 is replaced by leucine, an amino acid with highly similar properties. This amino acid position is conserved. In addition, this alteration is predicted to be tolerated by in silico analysis. Based on the available evidence, the clinical significance of this variant remains unclear.

Labcorp Genetics (formerly Invitae), Labcorp
Classification: Uncertain significance for Fanconi anemia. Last evaluated: 2022-06-01. Review status: criteria provided, single submitter. Criteria: Invitae Variant Classification Sherloc (09022015). Collection method: clinical testing. Allele origin: germline.
Comment: In summary, the available evidence is currently insufficient to determine the role of this variant in disease. Therefore, it has been classified as a Variant of Uncertain Significance. Algorithms developed to predict the effect of missense changes on protein structure and function (SIFT, PolyPhen-2, Align-GVGD) all suggest that this variant is likely to be tolerated. This variant has not been reported in the literature in individuals affected with FANCM-related conditions. This variant is not present in population databases (gnomAD no frequency). This sequence change replaces isoleucine, which is neutral and non-polar, with leucine, which is neutral and non-polar, at codon 1353 of the FANCM protein (p.Ile1353Leu).